The following is an entry in ClinVar:

ClinVar aggregate classification (germline): Likely pathogenic (1 of 4 stars; one submission).

Submission:

Labcorp Genetics (formerly Invitae), Labcorp
Classification: Likely pathogenic. Last evaluated: 2024-01-24. Review status: criteria provided, single submitter. Criteria: Invitae Variant Classification Sherloc (09022015). Collection method: clinical testing. Allele origin: germline.
Comment: This sequence change affects a donor splice site in intron 1 of the RAB28 gene. It is expected to disrupt RNA splicing. Variants that disrupt the donor or acceptor splice site typically lead to a loss of protein function (PMID: 16199547), and loss-of-function variants in RAB28 are known to be pathogenic (PMID: 23746546, 25356532, 27529348). This variant is not present in population databases (gnomAD no frequency). This variant has not been reported in the literature in individuals affected with RAB28-related conditions. ClinVar contains an entry for this variant (Variation ID: 1525334). Algorithms developed to predict the effect of sequence changes on RNA splicing suggest that this variant may disrupt the consensus splice site. In summary, the currently available evidence indicates that the variant is pathogenic, but additional data are needed to prove that conclusively. Therefore, this variant has been classified as Likely Pathogenic.

Literature cited by the submitters: PubMed 16199547; PubMed 23746546; PubMed 25356532; PubMed 27529348.

NM_001017979.3(RAB28):c.75+1G>A

Genes: RAB28 (RAB28, member RAS oncogene family; minus strand), LOC111828517 (Sharpr-MPRA regulatory regions 1971 and 3941; plus strand). Cytogenetic location: 4p15.33.
Variant type: single nucleotide variant.
Coding change: c.75+1G>A on transcript NM_001017979.3 (MANE Select); the canonical splice donor site of the intron after coding-DNA position 75, G replaced by A.
Molecular consequence: splice donor variant.
Genome position (GRCh38, 1-based): chr4:13,484,075, C>T on the plus strand (G>A on the coding strand, the complement: RAB28 is on the minus strand). VCF-style: chr4-13484075-C-T. GRCh37 (hg19) VCF-style: chr4-13485699-C-T.
Other names: c.75+1G>A (NM_004249.4, NM_001159601.2).
Identifiers: ClinVar variation 1525334 (VCV001525334.6), dbSNP rs2108982050, ClinGen allele CA356375121.